The following is an entry in ClinVar:

NM_000358.3(TGFBI):c.337G>A (p.Val113Ile)

Gene: TGFBI (transforming growth factor beta induced; plus strand). Cytogenetic location: 5q31.1.
Variant type: single nucleotide variant.
Coding change: c.337G>A on transcript NM_000358.3 (MANE Select); coding-DNA position 337, G replaced by A.
Protein change: p.Val113Ile; replaces valine 113 with isoleucine.
Molecular consequence: missense variant.
Genome position (GRCh38, 1-based): chr5:136,046,373, G>A. VCF-style: chr5-136046373-G-A. GRCh37 (hg19) VCF-style: chr5-135382062-G-A.
Other names: short protein forms V113I.
Identifiers: ClinVar variation 1404990 (VCV001404990.8), dbSNP rs757933370, ClinGen allele CA3419997.

ClinVar aggregate classification (germline): Uncertain significance (1 of 4 stars; one submission).

Allele frequency attached by ClinVar (database versions not stated): gnomAD 0.00004; TOPMed 0.00012.
gnomAD v4.1: 91 of 1,613,838 alleles (0.0056%); highest among the groups gnomAD compares: Admixed American, 0.053%; 1 homozygote.

Submission:

Labcorp Genetics (formerly Invitae), Labcorp
Classification: Uncertain significance. Last evaluated: 2025-08-21. Review status: criteria provided, single submitter. Criteria: Invitae Variant Classification Sherloc (09022015). Collection method: clinical testing. Allele origin: germline.
Comment: This sequence change replaces valine, which is neutral and non-polar, with isoleucine, which is neutral and non-polar, at codon 113 of the TGFBI protein (p.Val113Ile). This variant is present in population databases (rs757933370, gnomAD 0.08%). This missense change has been observed in individual(s) with TGFBI-related conditions (PMID: 16636649, 19303004, 27402970). ClinVar contains an entry for this variant (Variation ID: 1404990). Invitae Evidence Modeling of protein sequence and biophysical properties (such as structural, functional, and spatial information, amino acid conservation, physicochemical variation, residue mobility, and thermodynamic stability) indicates that this missense variant is not expected to disrupt TGFBI protein function with a negative predictive value of 80%. In summary, the available evidence is currently insufficient to determine the role of this variant in disease. Therefore, it has been classified as a Variant of Uncertain Significance.

Literature cited by the submitters: PubMed 16636649; PubMed 19303004; PubMed 27402970.